The following is an entry in ClinVar:

ClinVar aggregate classification (germline): Uncertain significance (1 of 4 stars; one submission).

Conditions:
Short-rib thoracic dysplasia 14 with polydactyly (SRTD14). Identifiers: Orphanet 397715, MedGen C4225286, MONDO:0014688, OMIM 616546.
Joubert syndrome 23 (JBTS23). Identifiers: Orphanet 475, MedGen C4084822, MONDO:0014664, OMIM 616490.

Submission:

Labcorp Genetics (formerly Invitae), Labcorp
Classification: Uncertain significance for Joubert syndrome 23; Short-rib thoracic dysplasia 14 with polydactyly. Last evaluated: 2021-12-08. Review status: criteria provided, single submitter. Criteria: Invitae Variant Classification Sherloc (09022015). Collection method: clinical testing. Allele origin: germline.
Comment: Variants that disrupt the consensus splice site are a relatively common cause of aberrant splicing (PMID: 17576681, 9536098). Algorithms developed to predict the effect of sequence changes on RNA splicing suggest that this variant may disrupt the consensus splice site. This variant has not been reported in the literature in individuals affected with KIAA0586-related conditions. This variant is not present in population databases (gnomAD no frequency). This sequence change falls in intron 1 of the KIAA0586 gene. It does not directly change the encoded amino acid sequence of the KIAA0586 protein. It affects a nucleotide within the consensus splice site. In summary, the available evidence is currently insufficient to determine the role of this variant in disease. Therefore, it has been classified as a Variant of Uncertain Significance.

Literature cited by the submitters: PubMed 17576681; PubMed 9536098.

NM_001244189.2(KIAA0586):c.9+4A>C

Gene: KIAA0586 (KIAA0586; plus strand). Cytogenetic location: 14q23.1.
Variant type: single nucleotide variant.
Coding change: c.9+4A>C on transcript NM_001244189.2; 4 bases into the intron after coding-DNA position 9, A replaced by C.
Molecular consequence: intron variant.
Genome position (GRCh38, 1-based): chr14:58,427,641, A>C. VCF-style: chr14-58427641-A-C. GRCh37 (hg19) VCF-style: chr14-58894359-A-C.
Other names: c.-39+4A>C (NM_001244190.2); c.-57+4A>C (NM_001244192.2, NM_001244191.2).
Identifiers: ClinVar variation 1446650 (VCV001446650.7), dbSNP rs1029046238, ClinGen allele CA2573150054.